The following is an entry in ClinVar:

NM_002234.4(KCNA5):c.1006A>T (p.Thr336Ser)

Gene: KCNA5 (potassium voltage-gated channel subfamily A member 5; plus strand). Cytogenetic location: 12p13.32.
Variant type: single nucleotide variant.
Coding change: c.1006A>T on transcript NM_002234.4 (MANE Select); coding-DNA position 1006, A replaced by T.
Protein change: p.Thr336Ser; replaces threonine 336 with serine.
Molecular consequence: missense variant.
Genome position (GRCh38, 1-based): chr12:5,045,153, A>T. VCF-style: chr12-5045153-A-T. GRCh37 (hg19) VCF-style: chr12-5154319-A-T.
Other names: short protein forms T336S.
Identifiers: ClinVar variation 2111603 (VCV002111603.4), dbSNP rs1591661806, ClinGen allele CA383465580.

ClinVar aggregate classification (germline): Uncertain significance (1 of 4 stars; one submission).

Conditions:
Atrial fibrillation, familial, 7 (ATFB7). Identifiers: MedGen C2677106, MONDO:0012828, OMIM 612240.

Submission:

Labcorp Genetics (formerly Invitae), Labcorp
Classification: Uncertain significance for Atrial fibrillation, familial, 7. Last evaluated: 2022-07-15. Review status: criteria provided, single submitter. Criteria: Invitae Variant Classification Sherloc (09022015). Collection method: clinical testing. Allele origin: germline.
Comment: This sequence change replaces threonine, which is neutral and polar, with serine, which is neutral and polar, at codon 336 of the KCNA5 protein (p.Thr336Ser). This variant is not present in population databases (gnomAD no frequency). In summary, the available evidence is currently insufficient to determine the role of this variant in disease. Therefore, it has been classified as a Variant of Uncertain Significance. Algorithms developed to predict the effect of missense changes on protein structure and function are either unavailable or do not agree on the potential impact of this missense change (SIFT: "Tolerated"; PolyPhen-2: "Possibly Damaging"; Align-GVGD: "Class C0"). This variant has not been reported in the literature in individuals affected with KCNA5-related conditions.